The following is an entry in ClinVar:

NM_002156.5(HSPD1):c.1381C>A (p.Gln461Lys)

Gene: HSPD1 (heat shock protein family D (Hsp60) member 1; minus strand). Cytogenetic location: 2q33.1.
Variant type: single nucleotide variant.
Coding change: c.1381C>A on transcript NM_002156.5 (MANE Select); coding-DNA position 1381, C replaced by A.
Protein change: p.Gln461Lys; replaces glutamine 461 with lysine.
Molecular consequence: missense variant.
Genome position (GRCh38, 1-based): chr2:197,488,326, G>T on the plus strand (C>A on the coding strand, the complement: HSPD1 is on the minus strand). VCF-style: chr2-197488326-G-T. GRCh37 (hg19) VCF-style: chr2-198353050-G-T.
Other names: c.1381C>A, p.Gln461Lys (NM_199440.2); short protein forms Q461K.
Identifiers: ClinVar variation 1722779 (VCV001722779.2), dbSNP rs775037805, ClinGen allele CA2043388.
Genomic context (GRCh38, chr2:197,488,326, plus strand): 5'-TAAGAAAAACTAAAATCAGGCCACAAACTCATTTAAAAGGTAACTTTTTACCAATTTTTT[G>T]ATCTTCATTAGCTGGAGTCAATGAGTCCAAGGCTGGAATGCATCGAAGGAGGGCACAACC-3'
Protein context (NP_002147.2, residues 451-471): LDSLTPANED[Gln461Lys]KIGIEIIKRT

ClinVar aggregate classification (germline): Uncertain significance (1 of 4 stars; one submission).

Allele frequency attached by ClinVar (database versions not stated): gnomAD exomes below 0.00001; ExAC 0.00001.
gnomAD v4.1: 4 of 1,613,860 alleles (0.00025%); highest among the groups gnomAD compares: East Asian, 0.0045%; no homozygotes.

Submission:

GeneDx
Classification: Uncertain significance. Last evaluated: 2022-05-02. Review status: criteria provided, single submitter. Criteria: GeneDx Variant Classification Process June 2021. Collection method: clinical testing. Allele origin: germline. Affected: yes.
Comment: In silico analysis supports that this missense variant has a deleterious effect on protein structure/function; This variant is associated with the following publications: (PMID: 32180488)